The following is an entry in ClinVar:

NM_000441.2(SLC26A4):c.599del (p.Gln200fs)

Gene: SLC26A4 (solute carrier family 26 member 4; plus strand). Cytogenetic location: 7q22.3.
Variant type: Deletion.
Coding change: c.599del on transcript NM_000441.2 (MANE Select); coding-DNA position 599, one base deleted (A; older notation c.599delA).
Protein change: p.Gln200fs; shifts the reading frame from glutamine 200.
Molecular consequence: frameshift variant.
Genome position (GRCh38, 1-based): chr7:107,674,347, A deleted. VCF-style (leftmost placement, unchanged base first): chr7-107674346-CA-C. GRCh37 (hg19) VCF-style: chr7-107314791-CA-C.
Other names: c.599delA (NM_000441.1); short protein forms Q200fs.
Identifiers: ClinVar variation 1072411 (VCV001072411.8), dbSNP rs1385727683, ClinGen allele CA831175502.
Genomic context (GRCh38, chr7:107,674,346, plus strand): 5'-GCTAGAGATACAGCTAGAGTCCTGATTGCCAGTGCCCTGACTCTGCTGGTTGGAATTATA[CA>C]GGTAATGAACTTACAAGTAAAATATAGATGGATGTAATTTTTATTTGAAATTAACTTTAA-3'

ClinVar aggregate classification (germline): Pathogenic/Likely pathogenic. Review status: criteria provided, multiple submitters, no conflicts (2 of 4 stars). 2 submissions from 2 submitters: Pathogenic (1); Likely pathogenic (1). Last evaluated 2025-03-28.

Conditions:
Pendred syndrome (PDS). Also called: DEAFNESS WITH GOITER; THYROID DYSHORMONOGENESIS 2B; THYROID HORMONOGENESIS, GENETIC DEFECT IN, 2B; Pendred Syndrome (PDS); Pendred's syndrome; GOITER-DEAFNESS SYNDROME. Identifiers: Orphanet 705, MedGen C0271829, MONDO:0010134, OMIM 274600.

Allele frequency attached by ClinVar (database versions not stated): gnomAD 0.00001 and 0.00003; TOPMed 0.00002.

Submissions (2):

Natera, Inc.
Classification: Likely pathogenic for Pendred syndrome. Last evaluated: 2025-03-28. Review status: criteria provided, single submitter. Criteria: Natera Variant Classification Schema (03/2026). Collection method: clinical testing. Allele origin: germline.
Comment: The c.599delA variant in SLC26A4 is a frameshift variant predicted to shift the reading frame beginning at codon 200 and leads to a stop codon 2 codons downstream. This variant is expected to result in nonsense mediated decay, truncation, or a dysfunctional protein product. This variant is rare in the general population with a frequency below the threshold expected for the associated phenotype(s). Given the available evidence, this variant is classified as Likely Pathogenic.

Labcorp Genetics (formerly Invitae), Labcorp
Classification: Pathogenic. Last evaluated: 2024-03-14. Review status: criteria provided, single submitter. Criteria: Invitae Variant Classification Sherloc (09022015). Collection method: clinical testing. Allele origin: germline.
Comment: This sequence change creates a premature translational stop signal (p.Gln200Argfs*2) in the SLC26A4 gene. It is expected to result in an absent or disrupted protein product. Loss-of-function variants in SLC26A4 are known to be pathogenic (PMID: 16283880, 25394566, 26252218, 26445815). This variant is not present in population databases (gnomAD no frequency). This variant has not been reported in the literature in individuals affected with SLC26A4-related conditions. ClinVar contains an entry for this variant (Variation ID: 1072411). Algorithms developed to predict the effect of sequence changes on RNA splicing suggest that this variant may disrupt the consensus splice site. For these reasons, this variant has been classified as Pathogenic.

Literature cited by the submitters: PubMed 16283880 (cited by Labcorp Genetics (formerly Invitae), Labcorp); PubMed 25394566 (cited by Labcorp Genetics (formerly Invitae), Labcorp); PubMed 26252218 (cited by Labcorp Genetics (formerly Invitae), Labcorp); PubMed 26445815 (cited by Labcorp Genetics (formerly Invitae), Labcorp).